The following is an entry in ClinVar:

ClinVar aggregate classification (germline): Likely benign. Review status: criteria provided, multiple submitters, no conflicts (2 of 4 stars). 3 submissions from 3 submitters: Likely benign (2). 1 of the submissions does not count toward it. Last evaluated 2026-01-07.

Conditions:
DOCK6-related disorder. Also called: DOCK6-related condition.

Allele frequency attached by ClinVar (database versions not stated): gnomAD exomes below 0.00001; gnomAD 0.00001; TOPMed 0.00001.
gnomAD v4.1: 11 of 1,614,078 alleles (0.00068%); highest among the groups gnomAD compares: African/African-American, 0.0093%; no homozygotes.

Submissions (3):

Labcorp Genetics (formerly Invitae), Labcorp
Classification: Likely benign. Last evaluated: 2026-01-07. Review status: criteria provided, single submitter. Criteria: Invitae Variant Classification Sherloc (09022015). Collection method: clinical testing. Allele origin: germline.

Blueprint Genetics
Classification: Likely benign. Last evaluated: 2023-12-01. Review status: criteria provided, single submitter. Criteria: ACMG Guidelines, 2015. Collection method: clinical testing. Allele origin: germline.

PreventionGenetics, part of Exact Sciences
Classification: Likely benign for DOCK6-related condition. Last evaluated: 2024-06-04. Review status: no assertion criteria provided. Collection method: clinical testing. Allele origin: germline. Not counted in ClinVar's aggregate classification.
Comment: This variant is classified as likely benign based on ACMG/AMP sequence variant interpretation guidelines (Richards et al. 2015 PMID: 25741868, with internal and published modifications).

NM_020812.4(DOCK6):c.5551C>T (p.Leu1851=)

Gene: DOCK6 (dedicator of cytokinesis 6; minus strand). Cytogenetic location: 19p13.2.
Variant type: single nucleotide variant.
Coding change: c.5551C>T on transcript NM_020812.4 (MANE Select); coding-DNA position 5551, C replaced by T.
Protein change: p.Leu1851=; no amino-acid change (leucine 1851 retained).
Molecular consequence: synonymous variant.
Genome position (GRCh38, 1-based): chr19:11,202,026, G>A on the plus strand (C>T on the coding strand, the complement: DOCK6 is on the minus strand). VCF-style: chr19-11202026-G-A. GRCh37 (hg19) VCF-style: chr19-11312702-G-A.
Other names: c.5656C>T, p.Leu1886= (NM_001367830.1); c.5551C>T (NM_020812.3).
Identifiers: ClinVar variation 2083618 (VCV002083618.6), dbSNP rs1302151815, ClinGen allele CA505746136.
Genomic context (GRCh38, chr19:11,202,026, plus strand): 5'-TGTGTTGCTCGGGCAGCTCCCCGTGTGCGCGCCCATCCGGCGTGAACGGCGTGCAGAACA[G>A]GAATGTGCGAAGCCCATAGTTGCGGTCAAAGTAGGTCACCCGGTCCTTGAGCTCGTAGGT-3'
Protein context (NP_065863.2, residues 1841-1861): FDRNYGLRTF[Leu1851=]FCTPFTPDGR